The following is an entry in ClinVar:

NM_022828.5(YTHDC2):c.2589A>G (p.Thr863=)

Gene: YTHDC2 (YTH N6-methyladenosine RNA binding protein C2; plus strand). Cytogenetic location: 5q22.2.
Variant type: single nucleotide variant.
Coding change: c.2589A>G on transcript NM_022828.5 (MANE Select); coding-DNA position 2589, A replaced by G.
Protein change: p.Thr863=; no amino-acid change (threonine 863 retained).
Molecular consequence: synonymous variant.
Genome position (GRCh38, 1-based): chr5:113,564,005, A>G. VCF-style: chr5-113564005-A-G. GRCh37 (hg19) VCF-style: chr5-112899702-A-G.
Other names: c.2103A>G, p.Thr701= (NM_001345975.2); c.1689A>G, p.Thr563= (NM_001345976.2).
Identifiers: ClinVar variation 3060019 (VCV003060019.2), dbSNP rs6886628, ClinGen allele CA3372194.

ClinVar aggregate classification (germline): Benign (0 of 4 stars; one submission).

Conditions:
YTHDC2-related disorder. Also called: YTHDC2-related condition.

Allele frequency attached by ClinVar (database versions not stated): ExAC 0.25097; ESP Exome Variant Server 0.31621; gnomAD 0.31742; 1000 Genomes Project 0.33187; 1000 Genomes Project 30x 0.34229; TOPMed 0.34594.
gnomAD v4.1: 348,848 of 1,613,798 alleles (22%); highest among the groups gnomAD compares: African/African-American, 59%; 46,437 homozygotes.

Submission:

PreventionGenetics, part of Exact Sciences
Classification: Benign for YTHDC2-related condition. Last evaluated: 2019-10-21. Review status: no assertion criteria provided. Collection method: clinical testing. Allele origin: germline.
Comment: This variant is classified as benign based on ACMG/AMP sequence variant interpretation guidelines (Richards et al. 2015 PMID: 25741868, with internal and published modifications).